The following is an entry in ClinVar:

NM_020778.5(ALPK3):c.109C>T (p.Arg37Trp)

Gene: ALPK3 (alpha kinase 3; plus strand). Cytogenetic location: 15q25.3.
Variant type: single nucleotide variant.
Coding change: c.109C>T on transcript NM_020778.5 (MANE Select); coding-DNA position 109, C replaced by T.
Protein change: p.Arg37Trp; replaces arginine 37 with tryptophan.
Molecular consequence: missense variant.
Genome position (GRCh38, 1-based): chr15:84,817,561, C>T. VCF-style: chr15-84817561-C-T. GRCh37 (hg19) VCF-style: chr15-85360792-C-T.
Other names: short protein forms R37W.
Identifiers: ClinVar variation 1305357 (VCV001305357.9), dbSNP rs1229697421, ClinGen allele CA393369504.

ClinVar aggregate classification (germline): Uncertain significance. Review status: criteria provided, multiple submitters, no conflicts (2 of 4 stars). 3 submissions from 3 submitters: Uncertain significance (3). Last evaluated 2026-01-13.

Conditions:
Cardiovascular phenotype. Identifiers: MedGen CN230736.

Allele frequency attached by ClinVar (database versions not stated): gnomAD exomes 0.00002.
gnomAD v4.1: 17 of 1,502,464 alleles (0.0011%); highest among the groups gnomAD compares: Admixed American, 0.0083%; no homozygotes.

Submissions (3):

Labcorp Genetics (formerly Invitae), Labcorp
Classification: Uncertain significance. Last evaluated: 2026-01-13. Review status: criteria provided, single submitter. Criteria: Invitae Variant Classification Sherloc (09022015). Collection method: clinical testing. Allele origin: germline.
Comment: This sequence change replaces arginine, which is basic and polar, with tryptophan, which is neutral and slightly polar, at codon 239 of the ALPK3 protein (p.Arg239Trp). The frequency data for this variant in the population databases is considered unreliable, as metrics indicate poor data quality at this position in the gnomAD database. This variant has not been reported in the literature in individuals affected with ALPK3-related conditions. ClinVar contains an entry for this variant (Variation ID: 1305357). An algorithm developed to predict the effect of missense changes on protein structure and function (PolyPhen-2) suggests that this variant is likely to be disruptive. In summary, the available evidence is currently insufficient to determine the role of this variant in disease. Therefore, it has been classified as a Variant of Uncertain Significance.

Ambry Genetics
Classification: Uncertain significance for Cardiovascular phenotype. Last evaluated: 2024-04-16. Review status: criteria provided, single submitter. Criteria: Ambry Variant Classification Scheme 2023. Collection method: clinical testing. Allele origin: germline.
Comment: The p.R239W variant (also known as c.715C>T), located in coding exon 1 of the ALPK3 gene, results from a C to T substitution at nucleotide position 715. The arginine at codon 239 is replaced by tryptophan, an amino acid with dissimilar properties. This amino acid position is conserved. In addition, this alteration is predicted to be tolerated by in silico analysis. Since supporting evidence is limited at this time, the clinical significance of this alteration remains unclear.

GeneDx
Classification: Uncertain significance. Last evaluated: 2019-04-23. Review status: criteria provided, single submitter. Criteria: GeneDx Variant Classification Process June 2021. Collection method: clinical testing. Allele origin: germline. Affected: yes.